The following is an entry in ClinVar:

NM_001519.4(BRF1):c.904C>T (p.Arg302Trp)

Gene: BRF1 (BRF1 general transcription factor IIIB subunit; minus strand). Cytogenetic location: 14q32.33.
Variant type: single nucleotide variant.
Coding change: c.904C>T on transcript NM_001519.4 (MANE Select); coding-DNA position 904, C replaced by T.
Protein change: p.Arg302Trp; replaces arginine 302 with tryptophan.
Molecular consequence: missense variant.
Genome position (GRCh38, 1-based): chr14:105,226,645, G>A on the plus strand (C>T on the coding strand, the complement: BRF1 is on the minus strand). VCF-style: chr14-105226645-G-A. GRCh37 (hg19) VCF-style: chr14-105692982-G-A.
Other names: c.559C>T, p.Arg187Trp (NM_001242786.2, NM_001242787.2); c.823C>T, p.Arg275Trp (NM_001242788.2); c.190C>T, p.Arg64Trp (NM_001242789.2); c.292C>T, p.Arg98Trp (NM_145685.3); short protein forms R187W, R275W, R302W, R64W, R98W.
Identifiers: ClinVar variation 1698107 (VCV001698107.3), dbSNP rs757290383, ClinGen allele CA7387403.

ClinVar aggregate classification (germline): Uncertain significance. Review status: criteria provided, multiple submitters, no conflicts (2 of 4 stars). 2 submissions from 2 submitters: Uncertain significance (2). Last evaluated 2024-03-07.

Conditions:
Inborn genetic diseases. Identifiers: MedGen C0950123, MeSH D030342.

Allele frequency attached by ClinVar (database versions not stated): gnomAD 0.00001; gnomAD exomes 0.00001 and 0.00002; TOPMed 0.00001; ExAC 0.00002.

Submissions (2):

Ambry Genetics
Classification: Uncertain significance for Inborn genetic diseases. Last evaluated: 2024-03-07. Review status: criteria provided, single submitter. Criteria: Ambry Variant Classification Scheme 2023. Collection method: clinical testing. Allele origin: germline.

GeneDx
Classification: Uncertain significance. Last evaluated: 2022-01-19. Review status: criteria provided, single submitter. Criteria: GeneDx Variant Classification Process June 2021. Collection method: clinical testing. Allele origin: germline. Affected: yes.
Comment: In silico analysis supports that this missense variant has a deleterious effect on protein structure/function; Has not been previously published as pathogenic or benign to our knowledge